The following is an entry in ClinVar:

NM_006371.5(CRTAP):c.896A>G (p.His299Arg)

Gene: CRTAP (cartilage associated protein; plus strand). Cytogenetic location: 3p22.3.
Variant type: single nucleotide variant.
Coding change: c.896A>G on transcript NM_006371.5 (MANE Select); coding-DNA position 896, A replaced by G.
Protein change: p.His299Arg; replaces histidine 299 with arginine.
Molecular consequence: missense variant. On other transcripts: intron variant (1).
Genome position (GRCh38, 1-based): chr3:33,130,041, A>G. VCF-style: chr3-33130041-A-G. GRCh37 (hg19) VCF-style: chr3-33171533-A-G.
Other names: c.896A>G, p.His299Arg (NM_001393363.1); c.746A>G, p.His249Arg (NM_001393365.1); c.794-2514A>G (NM_001393364.1); short protein forms H249R, H299R.
Identifiers: ClinVar variation 1938171 (VCV001938171.5), dbSNP rs2471582003, ClinGen allele CA351997059.

ClinVar aggregate classification (germline): Uncertain significance (1 of 4 stars; one submission).

Conditions:
Osteogenesis imperfecta type 7 (OI7). Also called: OSTEOGENESIS IMPERFECTA, TYPE IIB; OI type 7; OI type VII; Osteogenesis imperfecta type 2B; OI type 2B; Osteogenesis imperfecta, perinatal lethal autosomal recessive. Identifiers: MedGen C1853162, MONDO:0012536, OMIM 610682.

Allele frequency attached by ClinVar (database versions not stated): gnomAD exomes below 0.00001.
gnomAD v4.1: 1 of 1,613,920 alleles (0.000062%); highest among the groups gnomAD compares: South Asian, 0.0011%; no homozygotes.

Submission:

Labcorp Genetics (formerly Invitae), Labcorp
Classification: Uncertain significance for Osteogenesis imperfecta type 7. Last evaluated: 2022-08-12. Review status: criteria provided, single submitter. Criteria: Invitae Variant Classification Sherloc (09022015). Collection method: clinical testing. Allele origin: germline.
Comment: Algorithms developed to predict the effect of missense changes on protein structure and function are either unavailable or do not agree on the potential impact of this missense change (SIFT: "Deleterious"; PolyPhen-2: "Possibly Damaging"; Align-GVGD: "Class C0"). This variant has not been reported in the literature in individuals affected with CRTAP-related conditions. In summary, the available evidence is currently insufficient to determine the role of this variant in disease. Therefore, it has been classified as a Variant of Uncertain Significance. This sequence change replaces histidine, which is basic and polar, with arginine, which is basic and polar, at codon 299 of the CRTAP protein (p.His299Arg). This variant is not present in population databases (gnomAD no frequency).